The following is an entry in ClinVar:

NM_000426.4(LAMA2):c.6236C>T (p.Thr2079Met)

Genes: LAMA2 (laminin subunit alpha 2; plus strand), LOC123864065 (Sharpr-MPRA regulatory region 661; plus strand). Cytogenetic location: 6q22.33.
Variant type: single nucleotide variant.
Coding change: c.6236C>T on transcript NM_000426.4 (MANE Select); coding-DNA position 6236, C replaced by T.
Protein change: p.Thr2079Met; replaces threonine 2079 with methionine.
Molecular consequence: missense variant.
Genome position (GRCh38, 1-based): chr6:129,440,966, C>T. VCF-style: chr6-129440966-C-T. GRCh37 (hg19) VCF-style: chr6-129762111-C-T.
Other names: p.Thr2079Met; c.6236C>T, p.Thr2079Met (NM_001079823.2); short protein forms T2079M.
Identifiers: ClinVar variation 1043548 (VCV001043548.11), dbSNP rs200928844, ClinGen allele CA3994144.

ClinVar aggregate classification (germline): Conflicting classifications of pathogenicity. Review status: criteria provided, conflicting classifications (1 of 4 stars). 4 submissions from 4 submitters: Uncertain significance (3); Likely benign (1). Last evaluated 2025-10-29.

Conditions:
LAMA2-related muscular dystrophy (LAMA2-RD). Also called: Laminin alpha 2-related dystrophy. Identifiers: MedGen C5679788, MONDO:0100228.

Allele frequency attached by ClinVar (database versions not stated): gnomAD 0.00004; TOPMed 0.00007; ExAC 0.00013; gnomAD exomes 0.00013.
gnomAD v4.1: 155 of 1,613,698 alleles (0.0096%); highest among the groups gnomAD compares: Admixed American, 0.035%; no homozygotes.

Submissions (4):

Labcorp Genetics (formerly Invitae), Labcorp
Classification: Likely benign for LAMA2-related muscular dystrophy. Last evaluated: 2025-10-29. Review status: criteria provided, single submitter. Criteria: Invitae Variant Classification Sherloc (09022015). Collection method: clinical testing. Allele origin: germline.

Mayo Clinic Laboratories, Mayo Clinic
Classification: Uncertain significance. Last evaluated: 2025-02-07. Review status: criteria provided, single submitter. Criteria: ACMG Guidelines, 2015. Collection method: clinical testing. Allele origin: germline. Observed: 1 variant allele.
Comment: PM2_supporting

Revvity Omics, Revvity
Classification: Uncertain significance. Last evaluated: 2022-06-30. Review status: criteria provided, single submitter. Criteria: ACMG Guidelines, 2015. Collection method: clinical testing. Allele origin: germline.

GeneDx
Classification: Uncertain significance. Last evaluated: 2019-08-21. Review status: criteria provided, single submitter. Criteria: GeneDx Variant Classification Process June 2021. Collection method: clinical testing. Allele origin: germline. Affected: yes.
Comment: In silico analysis, which includes protein predictors and evolutionary conservation, supports a deleterious effect; Has not been previously published as pathogenic or benign to our knowledge

Literature cited by the submitters: PubMed 36998234 (cited by Mayo Clinic Laboratories, Mayo Clinic).